The following is an entry in ClinVar:

NM_000516.7(GNAS):c.586-1G>T

Gene: GNAS (GNAS complex locus; plus strand). Cytogenetic location: 20q13.32.
Variant type: single nucleotide variant.
Coding change: c.586-1G>T on transcript NM_000516.7 (MANE Select); the canonical splice acceptor site of the intron before coding-DNA position 586, G replaced by T.
Molecular consequence: splice acceptor variant.
Genome position (GRCh38, 1-based): chr20:58,909,349, G>T. VCF-style: chr20-58909349-G-T. GRCh37 (hg19) VCF-style: chr20-57484404-G-T.
Other names: c.*447-1G>T (NM_001077490.3); c.2515-1G>T (NM_080425.4); c.2470-1G>T (NM_001410913.1); c.364-1G>T (NM_001438273.1, NM_001438274.1, NM_001438275.1); c.409-1G>T (NM_001439291.1, NM_001309840.2, NM_001438276.1 and 1 more transcripts); c.589-1G>T (NM_001077488.5); c.544-1G>T (NM_080426.4); c.541-1G>T (NM_001077489.4); and 2 more.
Identifiers: ClinVar variation 4992180 (VCV004992180.1).
Genomic context (GRCh38, chr20:58,909,349, plus strand): 5'-TGGCAATTATTACTGTTTCGGTTGGCTTTGGTGAGATCCATTGACCTCAATTTTGTTTCA[G>T]GACCTGCTTCGCTGCCGTGTCCTGACTTCTGGAATCTTTGAGACCAAGTTCCAGGTGGAC-3'

ClinVar aggregate classification (germline): Pathogenic (1 of 4 stars; one submission).

Conditions:
GNAS-related disorder. Identifiers: MedGen CN380105.

Submission:

PreventionGenetics, part of Exact Sciences
Classification: Pathogenic for GNAS-related condition. Last evaluated: 2025-09-18. Review status: criteria provided, single submitter. Criteria: ACMG Guidelines, 2015. Collection method: clinical testing. Allele origin: germline.
Comment: The GNAS c.586-1G>T variant is predicted to disrupt the AG splice acceptor site and interfere with normal splicing. This variant has been reported in an individual with Albright hereditary osteodystrophy (AHO) and type 1A psuedohypoparathyrdoidism (PHP1A) (Long et al. 2007. PubMed ID: 17164301). This variant has not been reported in a large population database (gnomAD), indicating this variant is rare. An alternate nucleotide substitution disrupting the consensus splice acceptor site at the same genomic position (c.586-1G>A) has also been reported in an individual with AHO and PHP1A (Rickard and Wilson 2003. PubMed ID: 12624854). Variants that disrupt the consensus splice acceptor site in GNAS are expected to be pathogenic. This variant is interpreted as pathogenic.